The following is an entry in ClinVar:

ClinVar aggregate classification (germline): Uncertain significance (1 of 4 stars; one submission).

Conditions:
Lethal congenital glycogen storage disease of heart. Also called: PHOSPHORYLASE KINASE DEFICIENCY OF HEART; GLYCOGEN STORAGE DISEASE OF HEART. Identifiers: Orphanet 439854, MedGen C1849813, MONDO:0009867, OMIM 261740.

Submission:

Labcorp Genetics (formerly Invitae), Labcorp
Classification: Uncertain significance for Lethal congenital glycogen storage disease of heart. Last evaluated: 2023-05-05. Review status: criteria provided, single submitter. Criteria: Invitae Variant Classification Sherloc (09022015). Collection method: clinical testing. Allele origin: germline.
Comment: In summary, the available evidence is currently insufficient to determine the role of this variant in disease. Therefore, it has been classified as a Variant of Uncertain Significance. Advanced modeling of protein sequence and biophysical properties (such as structural, functional, and spatial information, amino acid conservation, physicochemical variation, residue mobility, and thermodynamic stability) performed at Invitae indicates that this missense variant is not expected to disrupt PRKAG2 protein function. This variant has not been reported in the literature in individuals affected with PRKAG2-related conditions. This variant is not present in population databases (gnomAD no frequency). This sequence change replaces phenylalanine, which is neutral and non-polar, with leucine, which is neutral and non-polar, at codon 43 of the PRKAG2 protein (p.Phe43Leu).

NM_016203.4(PRKAG2):c.129C>A (p.Phe43Leu)

Gene: PRKAG2 (protein kinase AMP-activated non-catalytic subunit gamma 2; minus strand). Cytogenetic location: 7q36.1.
Variant type: single nucleotide variant.
Coding change: c.129C>A on transcript NM_016203.4 (MANE Select); coding-DNA position 129, C replaced by A.
Protein change: p.Phe43Leu; replaces phenylalanine 43 with leucine.
Molecular consequence: missense variant. On other transcripts: 5 prime UTR variant (5), intron variant (1).
Genome position (GRCh38, 1-based): chr7:151,786,527, G>T on the plus strand (C>A on the coding strand, the complement: PRKAG2 is on the minus strand). VCF-style: chr7-151786527-G-T. GRCh37 (hg19) VCF-style: chr7-151483613-G-T.
Other names: c.-4C>A (NM_001040633.2, NM_001407024.1, NM_001407026.1 and 2 more transcripts); c.129C>A, p.Phe43Leu (NM_001407021.1, NM_001407022.1, NM_001407023.1 and 2 more transcripts); c.148+27889C>A (NM_001407032.1); short protein forms F43L.
Identifiers: ClinVar variation 2862203 (VCV002862203.3), dbSNP rs770946241, ClinGen allele CA370070088.